The following is an entry in ClinVar:

ClinVar aggregate classification (germline): Uncertain significance (1 of 4 stars; one submission).

Conditions:
Inborn genetic diseases. Identifiers: MedGen C0950123, MeSH D030342.

gnomAD v4.1: 2 of 1,613,910 alleles (0.00012%); highest among the groups gnomAD compares: African/African-American, 0.0027%; no homozygotes.

Submission:

Ambry Genetics
Classification: Uncertain significance for Inborn genetic diseases. Last evaluated: 2026-03-15. Review status: criteria provided, single submitter. Criteria: Ambry Variant Classification Scheme 2023. Collection method: clinical testing. Allele origin: germline.
Comment: The p.P75S variant (also known as c.223C>T), located in coding exon 2 of the USB1 gene, results from a C to T substitution at nucleotide position 223. The proline at codon 75 is replaced by serine, an amino acid with similar properties. This amino acid position is conserved. In addition, this alteration is predicted to be tolerated by in silico analysis. Based on the available evidence, the clinical significance of this variant remains unclear.

NM_024598.4(USB1):c.223C>T (p.Pro75Ser)

Gene: USB1 (U6 snRNA biogenesis phosphodiesterase 1; plus strand). Cytogenetic location: 16q21.
Variant type: single nucleotide variant.
Coding change: c.223C>T on transcript NM_024598.4 (MANE Select); coding-DNA position 223, C replaced by T.
Protein change: p.Pro75Ser; replaces proline 75 with serine.
Molecular consequence: missense variant.
Genome position (GRCh38, 1-based): chr16:58,002,603, C>T. VCF-style: chr16-58002603-C-T. GRCh37 (hg19) VCF-style: chr16-58036507-C-T.
Other names: c.223C>T, p.Pro75Ser (NM_001195302.2, NM_001204911.2, NM_001330569.2); c.70C>T, p.Pro24Ser (NM_001330568.2); short protein forms P24S, P75S.
Identifiers: ClinVar variation 4866340 (VCV004866340.1).